The following is an entry in ClinVar:

NM_002160.4(TNC):c.1249C>T (p.Arg417Cys)

Gene: TNC (tenascin C; minus strand). Cytogenetic location: 9q33.1.
Variant type: single nucleotide variant.
Coding change: c.1249C>T on transcript NM_002160.4 (MANE Select); coding-DNA position 1249, C replaced by T.
Protein change: p.Arg417Cys; replaces arginine 417 with cysteine.
Molecular consequence: missense variant.
Genome position (GRCh38, 1-based): chr9:115,086,482, G>A on the plus strand (C>T on the coding strand, the complement: TNC is on the minus strand). VCF-style: chr9-115086482-G-A. GRCh37 (hg19) VCF-style: chr9-117848761-G-A.
Other names: c.1249C>T (NM_002160.3); c.1249C>T, p.Arg417Cys (NM_001410991.1); short protein forms R417C.
Identifiers: ClinVar variation 1711694 (VCV001711694.31), dbSNP rs150548325, ClinGen allele CA5208857.

ClinVar aggregate classification (germline): Conflicting classifications of pathogenicity. Review status: criteria provided, conflicting classifications (1 of 4 stars). 2 submissions from 2 submitters: Uncertain significance (1); Likely benign (1). Last evaluated 2025-03-19.

Conditions:
TNC-related disorder. Also called: TNC-related condition.

Allele frequency attached by ClinVar (database versions not stated): ExAC 0.00012; gnomAD 0.00013; TOPMed 0.00013; ESP Exome Variant Server 0.00038.
gnomAD v4.1: 491 of 1,613,688 alleles (0.03%); highest among the groups gnomAD compares: Non-Finnish European, 0.039%; 1 homozygote.

Submissions (2):

PreventionGenetics, part of Exact Sciences
Classification: Uncertain significance for TNC-related condition. Last evaluated: 2025-03-19. Review status: criteria provided, single submitter. Criteria: ACMG Guidelines, 2015. Collection method: clinical testing. Allele origin: germline.
Comment: The TNC c.1249C>T variant is predicted to result in the amino acid substitution p.Arg417Cys. This variant was reported in an individual with age related hearing loss (Table S3; Boucher et al. 2020. PubMed ID: 33229591). This variant is reported in 0.023% of alleles in individuals of European (Non-Finnish) descent in gnomAD. Although we suspect that this variant may be benign, at this time, the clinical significance of this variant is uncertain due to the absence of conclusive functional and genetic evidence.

CeGaT Center for Human Genetics Tuebingen
Classification: Likely benign. Last evaluated: 2022-09-01. Review status: criteria provided, single submitter. Criteria: CeGaT Center For Human Genetics Tuebingen Variant Classification Criteria Version 2. Collection method: clinical testing. Allele origin: germline. Affected: yes. Observed: 1 variant allele.
Comment: TNC: BP5